The following is an entry in ClinVar:

ClinVar aggregate classification (germline): Pathogenic/Likely pathogenic. Review status: criteria provided, multiple submitters, no conflicts (2 of 4 stars). 2 submissions from 2 submitters: Pathogenic (1); Likely pathogenic (1). Last evaluated 2025-08-12.

Conditions:
Autosomal recessive polycystic kidney disease (ARPKD). Also called: AR polycystic kidney disease. Identifiers: Orphanet 731, Orphanet 8378, MedGen C0085548, MeSH D017044, MONDO:0009889.

Submissions (2):

Natera, Inc.
Classification: Likely pathogenic for Autosomal recessive polycystic kidney disease. Last evaluated: 2025-08-12. Review status: criteria provided, single submitter. Criteria: Natera Variant Classification Schema (03/2026). Collection method: clinical testing. Allele origin: germline.
Comment: The c.5374delC variant in PKHD1 is a frameshift variant predicted to shift the reading frame beginning at codon 1792 and leads to a stop codon 11 codons downstream. This variant is expected to result in nonsense mediated decay, truncation, or a dysfunctional protein product. This variant is rare in the general population with a frequency below the threshold expected for the associated phenotype(s). Given the available evidence, this variant is classified as Likely Pathogenic.

Labcorp Genetics (formerly Invitae), Labcorp
Classification: Pathogenic for Autosomal recessive polycystic kidney disease. Last evaluated: 2024-01-02. Review status: criteria provided, single submitter. Criteria: Invitae Variant Classification Sherloc (09022015). Collection method: clinical testing. Allele origin: germline.
Comment: This sequence change creates a premature translational stop signal (p.Leu1792Trpfs*11) in the PKHD1 gene. It is expected to result in an absent or disrupted protein product. Loss-of-function variants in PKHD1 are known to be pathogenic (PMID: 19940839). This variant is not present in population databases (gnomAD no frequency). This variant has not been reported in the literature in individuals affected with PKHD1-related conditions. ClinVar contains an entry for this variant (Variation ID: 1070806). For these reasons, this variant has been classified as Pathogenic.

Literature cited by the submitters: PubMed 19940839 (cited by Labcorp Genetics (formerly Invitae), Labcorp).

NM_138694.4(PKHD1):c.5374del (p.Leu1792fs)

Gene: PKHD1 (PKHD1 ciliary IPT domain containing fibrocystin/polyductin; minus strand). Cytogenetic location: 6p12.2.
Variant type: Deletion.
Coding change: c.5374del on transcript NM_138694.4 (MANE Select); coding-DNA position 5374, one base deleted (C; older notation c.5374delC).
Protein change: p.Leu1792fs; shifts the reading frame from leucine 1792.
Molecular consequence: frameshift variant.
Genome position (GRCh38, 1-based): chr6:52,022,807, G deleted on the plus strand (C on the coding strand, the reverse complement: PKHD1 is on the minus strand); the first of 4 consecutive G bases (chr6:52,022,807-52,022,810); deleting any one gives the same sequence. VCF-style (leftmost placement, unchanged base first): chr6-52022806-AG-A. GRCh37 (hg19) VCF-style: chr6-51887604-AG-A.
Other names: c.5374delC (NM_138694.3); c.5374del, p.Leu1792fs (NM_170724.3); short protein forms L1792fs.
Identifiers: ClinVar variation 1070806 (VCV001070806.8), dbSNP rs2128138378, ClinGen allele CA2499218358.